The following is an entry in ClinVar:

NM_181552.4(CUX1):c.599T>C (p.Leu200Pro)

Gene: CUX1 (cut like homeobox 1; plus strand). Cytogenetic location: 7q22.1.
Variant type: single nucleotide variant.
Coding change: c.599T>C on transcript NM_181552.4 (MANE Select); coding-DNA position 599, T replaced by C.
Protein change: p.Leu200Pro; replaces leucine 200 with proline.
Molecular consequence: missense variant.
Genome position (GRCh38, 1-based): chr7:102,111,766, T>C. VCF-style: chr7-102111766-T-C. GRCh37 (hg19) VCF-style: chr7-101755046-T-C.
Other names: c.632T>C, p.Leu211Pro (NM_001202543.2, NM_001913.5, NM_181500.4); c.584T>C, p.Leu195Pro (NM_001202544.3); c.494T>C, p.Leu165Pro (NM_001202545.3); c.521T>C, p.Leu174Pro (NM_001202546.3); short protein forms L165P, L174P, L195P, L200P, L211P.
Identifiers: ClinVar variation 5041631 (VCV005041631.1).

ClinVar aggregate classification (germline): Uncertain significance (1 of 4 stars; one submission).

Submission:

CeGaT Center for Human Genetics Tuebingen
Classification: Uncertain significance. Last evaluated: 2026-09-01. Review status: criteria provided, single submitter. Criteria: CeGaT Center For Human Genetics Tuebingen Variant Classification Criteria Version 2. Collection method: clinical testing. Allele origin: germline. Affected: yes. Observed: 1 variant allele.
Comment: CUX1: PM2